The following is an entry in ClinVar:

ClinVar aggregate classification (germline): Conflicting classifications of pathogenicity. Review status: criteria provided, conflicting classifications (1 of 4 stars). 4 submissions from 4 submitters: Pathogenic (1); Likely pathogenic (2); Uncertain significance (1). Last evaluated 2025-07-29.

Conditions:
Neurofibromatosis, type 1 (NF1). Also called: NEUROFIBROMATOSIS, TYPE I, SOMATIC; VON RECKLINGHAUSEN DISEASE; Peripheral type neurofibromatosis; Neurofibromatosis, type I. Identifiers: Orphanet 636, MedGen C0027831, MONDO:0018975, OMIM 162200. Disease mechanism: loss of function.
Hereditary cancer-predisposing syndrome. Also called: Hereditary neoplastic syndrome; Neoplastic Syndromes, Hereditary; Hereditary Cancer Syndrome; Tumor predisposition. Identifiers: Orphanet 140162, MedGen C0027672, MeSH D009386, MONDO:0015356.
Cardiovascular phenotype. Identifiers: MedGen CN230736.

Allele frequency attached by ClinVar (database versions not stated): TOPMed below 0.00001.

Submissions (4):

Victorian Clinical Genetics Services, Murdoch Childrens Research Institute
Classification: Likely pathogenic for Neurofibromatosis, type 1. Last evaluated: 2025-07-29. Review status: criteria provided, single submitter. Criteria: ACMG Guidelines, 2015. Collection method: clinical testing. Allele origin: germline. Affected: yes.
Comment: This variant is classified as Likely pathogenic. Evidence in support of pathogenic classification: Variant is absent from gnomAD (v2, v3 and v4); This variant has strong previous evidence of pathogenicity in unrelated individuals. This variant has been classified as a VUS and likely pathogenic/pathogenic by clinical laboratories in ClinVar. It has also been classified as likely pathogenic in an individual with developmental delay and cafe-au-lait spots, and was inherited from their affected mother (DECIPHER). Additionally, it has been reported in the literature in multiple individuals with a suspected or confirmed diagnosis of neurofibromatosis, type 1 (PMIDs: 24789688, 30530636, 23656349/LOVD submission); Missense variant predicted to be damaging by in silico tool(s) or highly conserved with a major amino acid change. Additional information: Variant is predicted to result in a missense amino acid change from Ile to Thr; This variant is heterozygous; This gene is associated with autosomal dominant disease; Alternative amino acid change(s) at the same position are present in gnomAD (v4: 1 heterozygote(s), 0 homozygote(s)); No published functional evidence has been identified for this variant; Other missense variant(s) comparable to the one identified in this case have inconclusive previous evidence for pathogenicity. p.(Ile1165Lys) has been classified as pathogenic, while p.(Ile1165Met) has been classified as a VUS by clinical laboratories in ClinVar; Variant is not located in an established domain, motif, hotspot or informative constraint region; Loss of function is a known mechanism of disease in this gene and is associated with neurofibromatosis type 1 (MONDO:0018975); Variants in this gene are known to have variable expressivity. Disease manifestation can be extremely variable, even within a family (PMID: 20301288); Inheritance information for this variant is not currently available in this individual.

GeneDx
Classification: Pathogenic. Last evaluated: 2025-04-22. Review status: criteria provided, single submitter. Criteria: GeneDx Variant Classification Process June 2021. Collection method: clinical testing. Allele origin: germline.
Comment: Not observed at significant frequency in large population cohorts (gnomAD); In silico analysis supports that this missense variant has a deleterious effect on protein structure/function; This variant is associated with the following publications: (PMID: 29673180, 30530636, 24789688, 23656349, 22807134, 2121369, 25486365)

Labcorp Genetics (formerly Invitae), Labcorp
Classification: Likely pathogenic for Neurofibromatosis, type 1. Last evaluated: 2024-10-31. Review status: criteria provided, single submitter. Criteria: Invitae Variant Classification Sherloc (09022015). Collection method: clinical testing. Allele origin: germline.
Comment: This sequence change replaces isoleucine, which is neutral and non-polar, with threonine, which is neutral and polar, at codon 1165 of the NF1 protein (p.Ile1165Thr). This variant is not present in population databases (gnomAD no frequency). This missense change has been observed in individual(s) with neurofibromatosis type 1, breast cancer, and malignant peripheral nerve sheath tumor and/or NF1-related conditions (PMID: 30530636; internal data). ClinVar contains an entry for this variant (Variation ID: 955671). An algorithm developed to predict the effect of missense changes on protein structure and function (PolyPhen-2) suggests that this variant is likely to be disruptive. This variant disrupts the p.Ile1165 amino acid residue in NF1. Other variant(s) that disrupt this residue have been determined to be pathogenic (internal data). This suggests that this residue is clinically significant, and that variants that disrupt this residue are likely to be disease-causing. In summary, the currently available evidence indicates that the variant is pathogenic, but additional data are needed to prove that conclusively. Therefore, this variant has been classified as Likely Pathogenic.

Ambry Genetics
Classification: Uncertain significance for Cardiovascular phenotype; Hereditary cancer-predisposing syndrome. Last evaluated: 2021-11-27. Review status: criteria provided, single submitter. Criteria: Ambry Variant Classification Scheme 2023. Collection method: clinical testing. Allele origin: germline.
Comment: The p.I1165T variant (also known as c.3494T>C), located in coding exon 26 of the NF1 gene, results from a T to C substitution at nucleotide position 3494. The isoleucine at codon 1165 is replaced by threonine, an amino acid with similar properties. This alteration was identified in an individual in a cohort of individuals with a clinical diagnosis or clinical suspicion of neurofibromatosis type 1 (Xu W et al. Int. J. Mol. Med., 2014 Jul;34:53-60). This amino acid position is highly conserved in available vertebrate species. In addition, the in silico prediction for this alteration is inconclusive. Since supporting evidence is limited at this time, the clinical significance of this alteration remains unclear.

Literature cited by the submitters: PubMed 24789688 (cited by Victorian Clinical Genetics Services, Murdoch Childrens Research Institute); PubMed 30530636 (cited by Victorian Clinical Genetics Services, Murdoch Childrens Research Institute and Labcorp Genetics (formerly Invitae), Labcorp); PubMed 23656349 (cited by Victorian Clinical Genetics Services, Murdoch Childrens Research Institute); PubMed 20301288 (cited by Victorian Clinical Genetics Services, Murdoch Childrens Research Institute).

NM_001042492.3(NF1):c.3494T>C (p.Ile1165Thr)

Gene: NF1 (neurofibromin 1; plus strand). Cytogenetic location: 17q11.2.
Variant type: single nucleotide variant.
Coding change: c.3494T>C on transcript NM_001042492.3 (MANE Select); coding-DNA position 3494, T replaced by C.
Protein change: p.Ile1165Thr; replaces isoleucine 1165 with threonine.
Molecular consequence: missense variant.
Genome position (GRCh38, 1-based): chr17:31,232,879, T>C. VCF-style: chr17-31232879-T-C. GRCh37 (hg19) VCF-style: chr17-29559897-T-C.
Other names: c.3494T>C, p.Ile1165Thr (NM_000267.4); short protein forms I1165T.
Identifiers: ClinVar variation 955671 (VCV000955671.13), dbSNP rs786204211, ClinGen allele CA398989516.